The following is an entry in ClinVar:

NM_006361.6(HOXB13):c.148C>T (p.Pro50Ser)

Gene: HOXB13 (homeobox B13; minus strand). Cytogenetic location: 17q21.32.
Variant type: single nucleotide variant.
Coding change: c.148C>T on transcript NM_006361.6 (MANE Select); coding-DNA position 148, C replaced by T.
Protein change: p.Pro50Ser; replaces proline 50 with serine.
Molecular consequence: missense variant.
Genome position (GRCh38, 1-based): chr17:48,728,446, G>A on the plus strand (C>T on the coding strand, the complement: HOXB13 is on the minus strand). VCF-style: chr17-48728446-G-A. GRCh37 (hg19) VCF-style: chr17-46805808-G-A.
Other names: c.148C>T (NM_006361.5); short protein forms P50S.
Identifiers: ClinVar variation 1490468 (VCV001490468.9), dbSNP rs1597935020, ClinGen allele CA400109112.

ClinVar aggregate classification (germline): Uncertain significance. Review status: criteria provided, multiple submitters, no conflicts (2 of 4 stars). 2 submissions from 2 submitters: Uncertain significance (2). Last evaluated 2025-09-14.

Conditions:
Hereditary cancer-predisposing syndrome. Also called: Tumor predisposition; Hereditary neoplastic syndrome; Neoplastic Syndromes, Hereditary; Hereditary Cancer Syndrome. Identifiers: Orphanet 140162, MedGen C0027672, MeSH D009386, MONDO:0015356.

Submissions (2):

Labcorp Genetics (formerly Invitae), Labcorp
Classification: Uncertain significance. Last evaluated: 2025-09-14. Review status: criteria provided, single submitter. Criteria: Invitae Variant Classification Sherloc (09022015). Collection method: clinical testing. Allele origin: germline.
Comment: This sequence change replaces proline, which is neutral and non-polar, with serine, which is neutral and polar, at codon 50 of the HOXB13 protein (p.Pro50Ser). This variant is not present in population databases (gnomAD no frequency). This variant has not been reported in the literature in individuals affected with HOXB13-related conditions. ClinVar contains an entry for this variant (Variation ID: 1490468). An algorithm developed to predict the effect of missense changes on protein structure and function (PolyPhen-2) suggests that this variant is likely to be tolerated. In summary, the available evidence is currently insufficient to determine the role of this variant in disease. Therefore, it has been classified as a Variant of Uncertain Significance.

Ambry Genetics
Classification: Uncertain significance for Hereditary cancer-predisposing syndrome. Last evaluated: 2023-11-17. Review status: criteria provided, single submitter. Criteria: Ambry Variant Classification Scheme 2023. Collection method: clinical testing. Allele origin: germline.
Comment: The p.P50S variant (also known as c.148C>T), located in coding exon 1 of the HOXB13 gene, results from a C to T substitution at nucleotide position 148. The proline at codon 50 is replaced by serine, an amino acid with similar properties. This amino acid position is conserved. In addition, this alteration is predicted to be tolerated by in silico analysis. Since supporting evidence is limited at this time, the clinical significance of this alteration remains unclear.